The following is an entry in ClinVar:

ClinVar aggregate classification (germline): Benign. Review status: criteria provided, multiple submitters, no conflicts (2 of 4 stars). 3 submissions from 3 submitters: Benign (3). Last evaluated 2026-01-08.

Conditions:
COG4-congenital disorder of glycosylation. Also called: CONGENITAL DISORDER OF GLYCOSYLATION, TYPE IIj; CDG IIj; COG4-CDG. Identifiers: Orphanet 263501, MedGen C4303552, MONDO:0013281, OMIM 613489.

Allele frequency attached by ClinVar (database versions not stated): gnomAD exomes 0.00140 and 0.00300; ExAC 0.00312; gnomAD 0.00759 and 0.00801; ESP Exome Variant Server 0.00793; TOPMed 0.00862; 1000 Genomes Project 0.00899; 1000 Genomes Project 30x 0.00999.

Submissions (7):

Labcorp Genetics (formerly Invitae), Labcorp
Classification: Benign for COG4-congenital disorder of glycosylation. Last evaluated: 2026-01-08. Review status: criteria provided, single submitter. Criteria: Invitae Variant Classification Sherloc (09022015). Collection method: clinical testing. Allele origin: germline.

GeneDx
Classification: Benign. Last evaluated: 2017-03-08. Review status: criteria provided, single submitter. Criteria: GeneDx Variant Classification (06012015). Collection method: clinical testing. Allele origin: germline. Affected: yes.
Comment: This variant is considered likely benign or benign based on one or more of the following criteria: it is a conservative change, it occurs at a poorly conserved position in the protein, it is predicted to be benign by multiple in silico algorithms, and/or has population frequency not consistent with disease.

Breakthrough Genomics
Classification: Benign. Review status: criteria provided, single submitter. Criteria: ACMG Guidelines, 2015. Collection method: not provided. Allele origin: germline. Inheritance: Autosomal recessive inheritance. Affected: yes.

Dr. Peter K. Rogan Lab, Western University
No classification provided (evidence only). Condition: Colon adenocarcinoma. Review status: no classification provided. Collection method: in vitro. Allele origin: not applicable. Functional consequence: skipped exon, retained intron. Not counted in ClinVar's aggregate classification.

Dr. Peter K. Rogan Lab, Western University
No classification provided (evidence only). Condition: Ovarian serous cystadenocarcinoma. Review status: no classification provided. Collection method: in vitro. Allele origin: not applicable. Functional consequence: retained intron. Not counted in ClinVar's aggregate classification.

Dr. Peter K. Rogan Lab, Western University
No classification provided (evidence only). Condition: Malignant tumor of esophagus. Review status: no classification provided. Collection method: in vitro. Allele origin: not applicable. Functional consequence: retained intron. Not counted in ClinVar's aggregate classification.

Dr. Peter K. Rogan Lab, Western University
No classification provided (evidence only). Condition: Malignant tumor of esophagus. Review status: no classification provided. Collection method: in vitro. Allele origin: not applicable. Functional consequence: retained intron. Not counted in ClinVar's aggregate classification.

NM_015386.3(COG4):c.2163G>A (p.Thr721=)

Gene: COG4 (component of oligomeric golgi complex 4; minus strand). Cytogenetic location: 16q22.1.
Variant type: single nucleotide variant.
Coding change: c.2163G>A on transcript NM_015386.3 (MANE Select); coding-DNA position 2163, G replaced by A.
Protein change: p.Thr721=; no amino-acid change (threonine 721 retained).
Molecular consequence: synonymous variant. On other transcripts: non-coding transcript variant (1).
Genome position (GRCh38, 1-based): chr16:70,481,431, C>T on the plus strand (G>A on the coding strand, the complement: COG4 is on the minus strand). VCF-style: chr16-70481431-C-T. GRCh37 (hg19) VCF-style: chr16-70515334-C-T.
Other names: c.2088G>A, p.Thr696= (NM_001195139.2); c.1737G>A, p.Thr579= (NM_001365426.1).
Identifiers: ClinVar variation 320365 (VCV000320365.14), dbSNP rs150547677, ClinGen allele CA8144018.